The following is an entry in ClinVar:

NM_000140.5(FECH):c.598+1G>T

Gene: FECH (ferrochelatase; minus strand). Cytogenetic location: 18q21.31.
Variant type: single nucleotide variant.
Coding change: c.598+1G>T on transcript NM_000140.5 (MANE Select); the canonical splice donor site of the intron after coding-DNA position 598, G replaced by T.
Molecular consequence: splice donor variant.
Genome position (GRCh38, 1-based): chr18:57,566,446, C>A on the plus strand (G>T on the coding strand, the complement: FECH is on the minus strand). VCF-style: chr18-57566446-C-A. GRCh37 (hg19) VCF-style: chr18-55233678-C-A.
Other names: c.598+1G>T (NM_001371094.1, NM_001374778.1); c.616+1G>T (NM_001012515.4); c.382+1G>T (NM_001371095.1).
Identifiers: ClinVar variation 803500 (VCV000803500.6), dbSNP rs1598996309, ClinGen allele CA402536074.

ClinVar aggregate classification (germline): Pathogenic. Review status: criteria provided, multiple submitters, no conflicts (2 of 4 stars). 2 submissions from 2 submitters: Pathogenic (2). Last evaluated 2025-12-16.

Conditions:
Protoporphyria, erythropoietic, 1 (EPP1). Also called: HEME SYNTHETASE DEFICIENCY; Erythropoietic Protoporphyria, Autosomal Recessive; FERROCHELATASE DEFICIENCY. Identifiers: Orphanet 79278, MedGen C4692546, MONDO:0008319, OMIM 177000.

Allele frequency attached by ClinVar (database versions not stated): gnomAD exomes below 0.00001.

Submissions (2):

Labcorp Genetics (formerly Invitae), Labcorp
Classification: Pathogenic. Last evaluated: 2025-12-16. Review status: criteria provided, single submitter. Criteria: Invitae Variant Classification Sherloc (09022015). Collection method: clinical testing. Allele origin: germline.
Comment: This sequence change affects a donor splice site in intron 5 of the FECH gene. It is expected to disrupt RNA splicing. Variants that disrupt the donor or acceptor splice site typically lead to a loss of protein function (PMID: 16199547), and loss-of-function variants in FECH are known to be pathogenic (PMID: 20105171, 23016163, 23364466). This variant is not present in population databases (gnomAD no frequency). Disruption of this splice site has been observed in individual(s) with erythropoietic protoporphyria (PMID: 10431482, 23364466). ClinVar contains an entry for this variant (Variation ID: 803500). Algorithms developed to predict the effect of sequence changes on RNA splicing suggest that this variant may disrupt the consensus splice site. For these reasons, this variant has been classified as Pathogenic.

Mendelics
Classification: Pathogenic for Protoporphyria, erythropoietic, 1. Last evaluated: 2019-05-28. Review status: criteria provided, single submitter. Criteria: Mendelics Assertion Criteria 2017. Collection method: clinical testing. Allele origin: unknown.

Literature cited by the submitters: PubMed 16199547 (cited by Labcorp Genetics (formerly Invitae), Labcorp); PubMed 20105171 (cited by Labcorp Genetics (formerly Invitae), Labcorp); PubMed 23016163 (cited by Labcorp Genetics (formerly Invitae), Labcorp); PubMed 23364466 (cited by Labcorp Genetics (formerly Invitae), Labcorp); PubMed 10431482 (cited by Labcorp Genetics (formerly Invitae), Labcorp).